The following is an entry in ClinVar:

NM_138576.4(BCL11B):c.1582del (p.His528fs)

Gene: BCL11B (BCL11 transcription factor B; minus strand). Cytogenetic location: 14q32.2.
Variant type: Deletion.
Coding change: c.1582del on transcript NM_138576.4 (MANE Select); coding-DNA position 1582, one base deleted (C; older notation c.1582delC).
Protein change: p.His528fs; shifts the reading frame from histidine 528.
Molecular consequence: frameshift variant.
Genome position (GRCh38, 1-based): chr14:99,175,254, G deleted on the plus strand (C on the coding strand, the reverse complement: BCL11B is on the minus strand); the first of 2 consecutive G bases (chr14:99,175,254-99,175,255); deleting either gives the same sequence. VCF-style (leftmost placement, unchanged base first): chr14-99175253-TG-T. GRCh37 (hg19) VCF-style: chr14-99641590-TG-T.
Other names: c.1579del, p.His527fs (NM_001282237.2); c.1366del, p.His456fs (NM_001282238.2); c.1369del, p.His457fs (NM_022898.3); short protein forms H456fs, H457fs, H527fs, H528fs.
Identifiers: ClinVar variation 1177351 (VCV001177351.2), dbSNP rs2139757991, ClinGen allele CA2499222839.

ClinVar aggregate classification (germline): Likely pathogenic. Review status: criteria provided, single submitter (1 of 4 stars). 2 submissions from 1 submitter: Likely pathogenic (1). 1 of the submissions does not count toward it. Last evaluated 2023-02-02.

Conditions:
Intellectual developmental disorder with speech delay, dysmorphic facies, and t-cell abnormalities. Also called: BCL11B-related BAFopathy. Identifiers: Orphanet 662829, MedGen C4748152, MONDO:0060763, OMIM 618092.

Submissions (2):

Baylor Genetics
Classification: Likely pathogenic for Intellectual developmental disorder with speech delay, dysmorphic facies, and t-cell abnormalities. Last evaluated: 2023-02-02. Review status: criteria provided, single submitter. Criteria: ACMG Guidelines, 2015. Collection method: clinical testing. Allele origin: unknown.

Baylor Genetics
Classification: Likely pathogenic for BCL11B-related BAFopathy. Last evaluated: 2021-06-10. Review status: flagged submission. Criteria: ACMG Guidelines, 2015. Collection method: clinical testing. Allele origin: de novo. Affected: yes. Not counted in ClinVar's aggregate classification.
ClinVar note: Reason: This record appears to be redundant with a more recent record from the same submitter.
ClinVar note: Notes: SCV001748913 appears to be redundant with SCV004041111.